The following is an entry in ClinVar:

NM_032776.3(JMJD1C):c.1469C>A (p.Thr490Asn)

Gene: JMJD1C (jumonji domain containing 1C; minus strand). Cytogenetic location: 10q21.3.
Variant type: single nucleotide variant.
Coding change: c.1469C>A on transcript NM_032776.3 (MANE Select); coding-DNA position 1469, C replaced by A.
Protein change: p.Thr490Asn; replaces threonine 490 with asparagine.
Molecular consequence: missense variant. On other transcripts: non-coding transcript variant (1).
Genome position (GRCh38, 1-based): chr10:63,214,698, G>T on the plus strand (C>A on the coding strand, the complement: JMJD1C is on the minus strand). VCF-style: chr10-63214698-G-T. GRCh37 (hg19) VCF-style: chr10-64974458-G-T.
Other names: c.923C>A, p.Thr308Asn (NM_001282948.2, NM_001318154.2); c.605C>A, p.Thr202Asn (NM_001318153.2); c.1355C>A, p.Thr452Asn (NM_001322252.2); c.812C>A, p.Thr271Asn (NM_001322254.2, NM_001322258.2); c.1469C>A (NM_032776.1); short protein forms T202N, T271N, T308N, T452N, T490N.
Identifiers: ClinVar variation 1006293 (VCV001006293.9), dbSNP rs61758116, ClinGen allele CA5518799.

ClinVar aggregate classification (germline): Uncertain significance. Review status: criteria provided, multiple submitters, no conflicts (2 of 4 stars). 2 submissions from 2 submitters: Uncertain significance (2). Last evaluated 2024-05-20.

Conditions:
Early Myoclonic Encephalopathy. Identifiers: MedGen C0270855.

Allele frequency attached by ClinVar (database versions not stated): ExAC 0.00001; TOPMed 0.00005; gnomAD 0.00003 and 0.00004; gnomAD exomes 0.00001.
gnomAD v4.1: 37 of 1,613,688 alleles (0.0023%); highest among the groups gnomAD compares: Non-Finnish European, 0.0031%; no homozygotes.

Submissions (2):

Ambry Genetics
Classification: Uncertain significance. Last evaluated: 2024-05-20. Review status: criteria provided, single submitter. Criteria: Ambry Variant Classification Scheme 2023. Collection method: clinical testing. Allele origin: germline.

Labcorp Genetics (formerly Invitae), Labcorp
Classification: Uncertain significance for Early Myoclonic Encephalopathy. Last evaluated: 2023-07-29. Review status: criteria provided, single submitter. Criteria: Invitae Variant Classification Sherloc (09022015). Collection method: clinical testing. Allele origin: germline.
Comment: In summary, the available evidence is currently insufficient to determine the role of this variant in disease. Therefore, it has been classified as a Variant of Uncertain Significance. Advanced modeling of protein sequence and biophysical properties (such as structural, functional, and spatial information, amino acid conservation, physicochemical variation, residue mobility, and thermodynamic stability) performed at Invitae indicates that this missense variant is not expected to disrupt JMJD1C protein function. ClinVar contains an entry for this variant (Variation ID: 1006293). This variant has not been reported in the literature in individuals affected with JMJD1C-related conditions. This variant is present in population databases (rs61758116, gnomAD 0.002%). This sequence change replaces threonine, which is neutral and polar, with asparagine, which is neutral and polar, at codon 490 of the JMJD1C protein (p.Thr490Asn).